The following is an entry in ClinVar:

NM_001177316.2(SLC34A3):c.1093+2T>C

Gene: SLC34A3 (solute carrier family 34 member 3; plus strand). Cytogenetic location: 9q34.3.
Variant type: single nucleotide variant.
Coding change: c.1093+2T>C on transcript NM_001177316.2 (MANE Select); the canonical splice donor site of the intron after coding-DNA position 1093, T replaced by C.
Molecular consequence: splice donor variant.
Genome position (GRCh38, 1-based): chr9:137,234,278, T>C. VCF-style: chr9-137234278-T-C. GRCh37 (hg19) VCF-style: chr9-140128730-T-C.
Other names: c.1093+2T>C (NM_001177317.2, NM_080877.3, NM_080877.2).
Identifiers: ClinVar variation 2008084 (VCV002008084.5), dbSNP rs1836451628, ClinGen allele CA375736686.
Genomic context (GRCh38, chr9:137,234,278, plus strand): 5'-GCTCAACTCTGTGCTGCGCGGCCGCGTGGCCCAGGTCGTGAGGACAGTCATCAATGCGGG[T>C]GAGGGCGTGGGAGGAGGTGCGGTGGCCAGGGCTGACCCAGCATCCCCCATAGACTTCCCC-3'

ClinVar aggregate classification (germline): Pathogenic/Likely pathogenic. Review status: criteria provided, multiple submitters, no conflicts (2 of 4 stars). 2 submissions from 2 submitters: Pathogenic (1); Likely pathogenic (1). Last evaluated 2025-01-15.

Conditions:
Autosomal recessive hypophosphatemic bone disease (HHRH). Also called: Hypophosphatemic rickets with hypercalciuria; HYPERCALCIURIC RICKETS. Identifiers: Orphanet 157215, MedGen C1853271, MONDO:0009431, OMIM 241530.

Submissions (2):

Labcorp Genetics (formerly Invitae), Labcorp
Classification: Pathogenic. Last evaluated: 2025-01-15. Review status: criteria provided, single submitter. Criteria: Invitae Variant Classification Sherloc (09022015). Collection method: clinical testing. Allele origin: germline.
Comment: This sequence change affects a donor splice site in intron 10 of the SLC34A3 gene. It is expected to disrupt RNA splicing. Variants that disrupt the donor or acceptor splice site typically lead to a loss of protein function (PMID: 16199547), and loss-of-function variants in SLC34A3 are known to be pathogenic (PMID: 16358214, 16358215, 22159077). This variant is not present in population databases (gnomAD no frequency). Disruption of this splice site has been observed in individual(s) with hereditary hypophosphatemic rickets with hypercalciuria (PMID: 34666334). ClinVar contains an entry for this variant (Variation ID: 2008084). Algorithms developed to predict the effect of sequence changes on RNA splicing suggest that this variant may disrupt the consensus splice site. For these reasons, this variant has been classified as Pathogenic.

Fulgent Genetics
Classification: Likely pathogenic for Autosomal recessive hypophosphatemic bone disease. Last evaluated: 2024-05-09. Review status: criteria provided, single submitter. Criteria: ACMG Guidelines, 2015. Collection method: clinical testing. Allele origin: germline.

Literature cited by the submitters: PubMed 16199547 (cited by Labcorp Genetics (formerly Invitae), Labcorp); PubMed 16358214 (cited by Labcorp Genetics (formerly Invitae), Labcorp); PubMed 16358215 (cited by Labcorp Genetics (formerly Invitae), Labcorp); PubMed 22159077 (cited by Labcorp Genetics (formerly Invitae), Labcorp); PubMed 34666334 (cited by Labcorp Genetics (formerly Invitae), Labcorp).